The following is an entry in ClinVar:

ClinVar aggregate classification (germline): Uncertain significance. Review status: criteria provided, multiple submitters, no conflicts (2 of 4 stars). 2 submissions from 2 submitters: Uncertain significance (2). Last evaluated 2024-11-20.

Conditions:
Benign neonatal seizures. Also called: Convulsions benign familial neonatal dominant form; Autosomal dominant form of benign neonatal seizures; Benign familial neonatal epilepsy; Benign neonatal familial convulsions; Benign familial neonatal seizures. Identifiers: Orphanet 1949, MedGen C0220669, MONDO:0016027.

Allele frequency attached by ClinVar (database versions not stated): TOPMed 0.00001; gnomAD 0.00001; gnomAD exomes below 0.00001; ExAC 0.00002.

Submissions (2):

GeneDx
Classification: Uncertain significance. Last evaluated: 2024-11-20. Review status: criteria provided, single submitter. Criteria: GeneDx Variant Classification Process June 2021. Collection method: clinical testing. Allele origin: germline. Affected: yes.
Comment: Not observed at significant frequency in large population cohorts (gnomAD); In silico analysis indicates that this missense variant does not alter protein structure/function; Has not been previously published as pathogenic or benign to our knowledge

Labcorp Genetics (formerly Invitae), Labcorp
Classification: Uncertain significance for Benign neonatal seizures. Last evaluated: 2022-03-21. Review status: criteria provided, single submitter. Criteria: Invitae Variant Classification Sherloc (09022015). Collection method: clinical testing. Allele origin: germline.
Comment: Algorithms developed to predict the effect of missense changes on protein structure and function are either unavailable or do not agree on the potential impact of this missense change (SIFT: "Tolerated"; PolyPhen-2: "Probably Damaging"; Align-GVGD: "Class C0"). In summary, the available evidence is currently insufficient to determine the role of this variant in disease. Therefore, it has been classified as a Variant of Uncertain Significance. This variant has not been reported in the literature in individuals affected with KCNQ3-related conditions. This variant is present in population databases (rs750577320, gnomAD 0.003%). This sequence change replaces arginine, which is basic and polar, with histidine, which is basic and polar, at codon 528 of the KCNQ3 protein (p.Arg528His).

NM_004519.4(KCNQ3):c.1583G>A (p.Arg528His)

Gene: KCNQ3 (potassium voltage-gated channel subfamily Q member 3; minus strand). Cytogenetic location: 8q24.22.
Variant type: single nucleotide variant.
Coding change: c.1583G>A on transcript NM_004519.4 (MANE Select); coding-DNA position 1583, G replaced by A.
Protein change: p.Arg528His; replaces arginine 528 with histidine.
Molecular consequence: missense variant.
Genome position (GRCh38, 1-based): chr8:132,138,002, C>T on the plus strand (G>A on the coding strand, the complement: KCNQ3 is on the minus strand). VCF-style: chr8-132138002-C-T. GRCh37 (hg19) VCF-style: chr8-133150249-C-T.
Other names: c.1583G>A (NM_004519.3); c.1223G>A, p.Arg408His (NM_001204824.2); short protein forms R528H, R408H.
Identifiers: ClinVar variation 2046779 (VCV002046779.5), dbSNP rs750577320, ClinGen allele CA4880650.